The following is an entry in ClinVar:

ClinVar aggregate classification (germline): Uncertain significance. Review status: criteria provided, multiple submitters, no conflicts (2 of 4 stars). 2 submissions from 2 submitters: Uncertain significance (2). Last evaluated 2022-11-08.

Conditions:
Inborn genetic diseases. Identifiers: MedGen C0950123, MeSH D030342.

Allele frequency attached by ClinVar (database versions not stated): gnomAD exomes below 0.00001; TOPMed below 0.00001; gnomAD 0.00001.
gnomAD v4.1: 6 of 1,560,300 alleles (0.00038%); highest among the groups gnomAD compares: Non-Finnish European, 0.00043%; no homozygotes.

Submissions (2):

Ambry Genetics
Classification: Uncertain significance for Inborn genetic diseases. Last evaluated: 2022-11-08. Review status: criteria provided, single submitter. Criteria: Ambry Variant Classification Scheme 2023. Collection method: clinical testing. Allele origin: germline.

GeneDx
Classification: Uncertain significance. Last evaluated: 2022-01-11. Review status: criteria provided, single submitter. Criteria: GeneDx Variant Classification Process June 2021. Collection method: clinical testing. Allele origin: germline. Affected: yes.
Comment: Not observed at significant frequency in large population cohorts (gnomAD); In silico analysis supports that this missense variant does not alter protein structure/function; Has not been previously published as pathogenic or benign to our knowledge

NM_000126.4(ETFA):c.26A>G (p.Gln9Arg)

Gene: ETFA (electron transfer flavoprotein subunit alpha; minus strand). Cytogenetic location: 15q24.3.
Variant type: single nucleotide variant.
Coding change: c.26A>G on transcript NM_000126.4 (MANE Select); coding-DNA position 26, A replaced by G.
Protein change: p.Gln9Arg; replaces glutamine 9 with arginine.
Molecular consequence: missense variant.
Genome position (GRCh38, 1-based): chr15:76,311,363, T>C on the plus strand (A>G on the coding strand, the complement: ETFA is on the minus strand). VCF-style: chr15-76311363-T-C. GRCh37 (hg19) VCF-style: chr15-76603704-T-C.
Other names: c.26A>G, p.Gln9Arg (NM_001127716.2); short protein forms Q9R.
Identifiers: ClinVar variation 1695799 (VCV001695799.3), dbSNP rs1165650090, ClinGen allele CA393519553.
Genomic context (GRCh38, chr15:76,311,363, plus strand): 5'-GTTGACGGGGGGCCGTCCCTGGGTTCGCCTTCCCAGTCCGGACTCACCGCCCGCCGGAGC[T>C]GCCCCGGAGCCGCCGCTCGGAACATGGTCTCCGCTTCCGCCGCAACCTCGGCCTTACAGC-3'
Protein context (NP_000117.1, residues 1-19): MFRAAAPG[Gln9Arg]LRRAASLLRF